The following is an entry in ClinVar:

ClinVar aggregate classification (germline): Conflicting classifications of pathogenicity. Review status: criteria provided, conflicting classifications (1 of 4 stars). 3 submissions from 3 submitters: Uncertain significance (2); Likely benign (1). Last evaluated 2024-12-02.

Allele frequency attached by ClinVar (database versions not stated): gnomAD exomes 0.00003; ESP Exome Variant Server 0.00046; ExAC 0.00010; 1000 Genomes Project 0.00020; TOPMed 0.00033; 1000 Genomes Project 30x 0.00016; gnomAD 0.00029.
gnomAD v4.1: 88 of 1,609,126 alleles (0.0055%); highest among the groups gnomAD compares: African/African-American, 0.1%; 3 homozygotes.

Submissions (3):

Women's Health and Genetics/Laboratory Corporation of America, LabCorp
Classification: Likely benign. Last evaluated: 2024-12-02. Review status: criteria provided, single submitter. Criteria: LabCorp Variant Classification Summary - May 2015. Collection method: clinical testing. Allele origin: germline.
Comment: Variant summary: CFHR4 c.1612T>C (p.Tyr538His) results in a conservative amino acid change located in the Sushi 9 domain (IPR000436) of the encoded protein sequence. Five of five in-silico tools predict a benign effect of the variant on protein function. The variant allele was found at a frequency of 5.5e-05 in 1602170 control chromosomes, predominantly at a frequency of 0.001 within the African or African-American subpopulation in the gnomAD database, including 3 homozygotes. The observed variant frequency within African or African-American control individuals in the gnomAD database is approximately 6-fold of the estimated maximal expected allele frequency for a pathogenic variant in CFHR4 causing Genetic Atypical Hemolytic Uremic Syndrome phenotype (0.00016). To our knowledge, no occurrence of c.1612T>C in individuals affected with Genetic Atypical Hemolytic Uremic Syndrome and no experimental evidence demonstrating its impact on protein function have been reported. ClinVar contains an entry for this variant (Variation ID: 2682703). Based on the evidence outlined above, the variant was classified as likely benign.

Ambry Genetics
Classification: Uncertain significance. Last evaluated: 2024-11-20. Review status: criteria provided, single submitter. Criteria: Ambry Variant Classification Scheme 2023. Collection method: clinical testing. Allele origin: germline.

Mayo Clinic Laboratories, Mayo Clinic
Classification: Uncertain significance. Last evaluated: 2024-11-06. Review status: criteria provided, single submitter. Criteria: ACMG Guidelines, 2015. Collection method: clinical testing. Allele origin: germline. Observed: 2 variant alleles.

NM_001201550.3(CFHR4):c.1612T>C (p.Tyr538His)

Gene: CFHR4 (complement factor H related 4; plus strand). Cytogenetic location: 1q31.3.
Variant type: single nucleotide variant.
Coding change: c.1612T>C on transcript NM_001201550.3 (MANE Select); coding-DNA position 1612, T replaced by C.
Protein change: p.Tyr538His; replaces tyrosine 538 with histidine.
Molecular consequence: missense variant.
Genome position (GRCh38, 1-based): chr1:196,918,281, T>C. VCF-style: chr1-196918281-T-C. GRCh37 (hg19) VCF-style: chr1-196887411-T-C.
Other names: p.Tyr537His; c.1612T>C (NM_001201550.2); c.1609T>C, p.Tyr537His (NM_001201551.2); c.871T>C, p.Tyr291His (NM_006684.5); short protein forms Y291H, Y537H, Y538H.
Identifiers: ClinVar variation 2682703 (VCV002682703.4), dbSNP rs200907976, ClinGen allele CA1307242.